The following is an entry in ClinVar:

NM_003742.4(ABCB11):c.930C>T (p.Phe310=)

Gene: ABCB11 (ATP binding cassette subfamily B member 11; minus strand). Cytogenetic location: 2q31.1.
Variant type: single nucleotide variant.
Coding change: c.930C>T on transcript NM_003742.4 (MANE Select); coding-DNA position 930, C replaced by T.
Protein change: p.Phe310=; no amino-acid change (phenylalanine 310 retained).
Molecular consequence: synonymous variant.
Genome position (GRCh38, 1-based): chr2:168,986,263, G>A on the plus strand (C>T on the coding strand, the complement: ABCB11 is on the minus strand). VCF-style: chr2-168986263-G-A. GRCh37 (hg19) VCF-style: chr2-169842773-G-A.
Other names: p.Phe310=; c.930C>T, p.Phe310= (LRG_1199t1).
Identifiers: ClinVar variation 289538 (VCV000289538.19), dbSNP rs372382608, ClinGen allele CA1951751.

ClinVar aggregate classification (germline): Conflicting classifications of pathogenicity. Review status: criteria provided, conflicting classifications (1 of 4 stars). 5 submissions from 5 submitters: Uncertain significance (2); Likely benign (3). Last evaluated 2026-01-25.

Conditions:
Progressive familial intrahepatic cholestasis type 2. Identifiers: Orphanet 79304, MedGen C3489789, MONDO:0011156, OMIM 601847.

Allele frequency attached by ClinVar (database versions not stated): gnomAD exomes 0.00005 and 0.00007; ExAC 0.00007; gnomAD 0.00032 and 0.00034; ESP Exome Variant Server 0.00034; TOPMed 0.00040.
gnomAD v4.1: 127 of 1,612,558 alleles (0.0079%); highest among the groups gnomAD compares: African/African-American, 0.11%; no homozygotes.

Submissions (5):

Labcorp Genetics (formerly Invitae), Labcorp
Classification: Likely benign. Last evaluated: 2026-01-25. Review status: criteria provided, single submitter. Criteria: Invitae Variant Classification Sherloc (09022015). Collection method: clinical testing. Allele origin: germline.

Mayo Clinic Laboratories, Mayo Clinic
Classification: Likely benign. Last evaluated: 2025-08-14. Review status: criteria provided, single submitter. Criteria: ACMG Guidelines, 2015. Collection method: clinical testing. Allele origin: germline. Observed: 2 variant alleles.
Comment: BP4, BP7

Illumina Laboratory Services, Illumina
Classification: Uncertain significance for Progressive familial intrahepatic cholestasis type 2. Last evaluated: 2018-01-12. Review status: criteria provided, single submitter. Criteria: ICSL Variant Classification Criteria 13 December 2019. Collection method: clinical testing. Allele origin: germline.

Eurofins Ntd Llc (ga)
Classification: Uncertain significance. Last evaluated: 2017-12-26. Review status: criteria provided, single submitter. Criteria: EGL Classification Definitions 2015. Collection method: clinical testing. Allele origin: germline. Observed: 6 variant alleles, 6 heterozygotes.

GeneDx
Classification: Likely benign. Last evaluated: 2016-08-30. Review status: criteria provided, single submitter. Criteria: GeneDx Variant Classification (06012015). Collection method: clinical testing. Allele origin: germline. Affected: yes.
Comment: This variant is considered likely benign or benign based on one or more of the following criteria: it is a conservative change, it occurs at a poorly conserved position in the protein, it is predicted to be benign by multiple in silico algorithms, and/or has population frequency not consistent with disease.